The following is an entry in ClinVar:

ClinVar aggregate classification (germline): Conflicting classifications of pathogenicity. Review status: criteria provided, conflicting classifications (1 of 4 stars). 8 submissions from 7 submitters: Uncertain significance (3); Likely benign (3). 2 of the submissions do not count toward it. Last evaluated 2026-02-02.

Conditions:
Joubert syndrome. Also called: Familial aplasia of the vermis; JOUBERT-BOLTSHAUSER SYNDROME. Identifiers: Orphanet 475, MedGen C5979921, MONDO:0018772.
Meckel-Gruber syndrome. Also called: Dysencephalia splachnocystica; DYSENCEPHALIA SPLANCHNOCYSTICA; GRUBER SYNDROME. Identifiers: Orphanet 564, MedGen C0265215, MONDO:0018921.
Joubert syndrome 9 (JBTS9). Identifiers: Orphanet 2318, MedGen C2676788, MONDO:0012849, OMIM 612285.
CC2D2A-related disorder. Also called: CC2D2A-related disorders; CC2D2A-related condition. Identifiers: MedGen CN239313.
Optic atrophy. Identifiers: MedGen C0029124, MONDO:0003608, HP:0000648.
Meckel syndrome, type 6. Identifiers: Orphanet 564, MedGen C2676790, MONDO:0012848, OMIM 612284.

Allele frequency attached by ClinVar (database versions not stated): ExAC 0.00011; gnomAD exomes 0.00011 and 0.00040; ESP Exome Variant Server 0.00017; gnomAD 0.00023 and 0.00024; TOPMed 0.00023.
gnomAD v4.1: 600 of 1,583,370 alleles (0.038%); highest among the groups gnomAD compares: Non-Finnish European, 0.05%; no homozygotes.

Submissions (8):

Labcorp Genetics (formerly Invitae), Labcorp
Classification: Likely benign for Joubert syndrome; Meckel-Gruber syndrome. Last evaluated: 2026-02-02. Review status: criteria provided, single submitter. Criteria: Invitae Variant Classification Sherloc (09022015). Collection method: clinical testing. Allele origin: germline.

Mayo Clinic Laboratories, Mayo Clinic
Classification: Likely benign. Last evaluated: 2025-10-08. Review status: criteria provided, single submitter. Criteria: ACMG Guidelines, 2015. Collection method: clinical testing. Allele origin: germline. Observed: 2 variant alleles.
Comment: BP4, BP7

Blueprint Genetics
Classification: Likely benign. Last evaluated: 2024-09-23. Review status: criteria provided, single submitter. Criteria: ACMG Guidelines, 2015. Collection method: clinical testing. Allele origin: germline.

Illumina Laboratory Services, Illumina
Classification: Uncertain significance for Joubert syndrome 9. Last evaluated: 2018-01-13. Review status: criteria provided, single submitter. Criteria: ICSL Variant Classification Criteria 13 December 2019. Collection method: clinical testing. Allele origin: germline.

Illumina Laboratory Services, Illumina
Classification: Uncertain significance for Meckel syndrome, type 6. Last evaluated: 2018-01-13. Review status: criteria provided, single submitter. Criteria: ICSL Variant Classification Criteria 13 December 2019. Collection method: clinical testing. Allele origin: germline.

Eurofins Ntd Llc (ga)
Classification: Uncertain significance. Last evaluated: 2018-01-11. Review status: criteria provided, single submitter. Criteria: EGL Classification Definitions 2015. Collection method: clinical testing. Allele origin: germline. Observed: 2 variant alleles, 2 heterozygotes.

Institute of Human Genetics, Univ. Regensburg, Univ. Regensburg
Classification: Uncertain significance for Optic atrophy. Last evaluated: 2022-01-01. Review status: no assertion criteria provided. Criteria: ACMG Guidelines, 2015. Collection method: clinical testing. Allele origin: germline. Affected: yes. Not counted in ClinVar's aggregate classification.

PreventionGenetics, part of Exact Sciences
Classification: Likely benign for CC2D2A-related condition. Last evaluated: 2019-07-10. Review status: no assertion criteria provided. Collection method: clinical testing. Allele origin: germline. Not counted in ClinVar's aggregate classification.
Comment: This variant is classified as likely benign based on ACMG/AMP sequence variant interpretation guidelines (Richards et al. 2015 PMID: 25741868, with internal and published modifications).

NM_001378615.1(CC2D2A):c.4809C>G (p.Pro1603=)

Genes: CC2D2A (coiled-coil and C2 domain containing 2A; plus strand), FBXL5 (F-box and leucine rich repeat protein 5; minus strand). Cytogenetic location: 4p15.32.
Variant type: single nucleotide variant.
Coding change: c.4809C>G on transcript NM_001378615.1 (MANE Select); coding-DNA position 4809, C replaced by G.
Protein change: p.Pro1603=; no amino-acid change (proline 1603 retained).
Molecular consequence: synonymous variant.
Genome position (GRCh38, 1-based): chr4:15,601,371, C>G. VCF-style: chr4-15601371-C-G. GRCh37 (hg19) VCF-style: chr4-15602994-C-G.
Other names: p.Pro1603=; c.4809C>G, p.Pro1603= (NM_001080522.2); c.4662C>G, p.Pro1554= (NM_001378617.1).
Identifiers: ClinVar variation 282741 (VCV000282741.26), dbSNP rs367841700, ClinGen allele CA2864483.
Genomic context (GRCh38, chr4:15,601,371, plus strand): 5'-ACATAATATTGATGTTCCTAATGTTGAATTTGCTTTAGCTGTATACATACACCCATACCC[C>G]AAAAATGTTTTGTCTGTTTGGATCTATGTTGCCTCTCTTATACGCAACAGGTAATTTTTT-3'
Protein context (NP_001365544.1, residues 1593-1613): FALAVYIHPY[Pro1603=]KNVLSVWIYV